The following is an entry in ClinVar:

ClinVar aggregate classification (germline): Likely benign (1 of 4 stars; one submission).

Submission:

CeGaT Center for Human Genetics Tuebingen
Classification: Likely benign. Last evaluated: 2023-01-01. Review status: criteria provided, single submitter. Criteria: CeGaT Center For Human Genetics Tuebingen Variant Classification Criteria Version 2. Collection method: clinical testing. Allele origin: germline. Affected: yes. Observed: 1 variant allele.
Comment: TAF4B: PM2:Supporting, BP4, BP7

NM_005640.3(TAF4B):c.1695C>T (p.Asn565=)

Gene: TAF4B (TATA-box binding protein associated factor 4b; plus strand). Cytogenetic location: 18q11.2.
Variant type: single nucleotide variant.
Coding change: c.1695C>T on transcript NM_005640.3 (MANE Select); coding-DNA position 1695, C replaced by T.
Protein change: p.Asn565=; no amino-acid change (asparagine 565 retained).
Molecular consequence: synonymous variant. On other transcripts: non-coding transcript variant (1).
Genome position (GRCh38, 1-based): chr18:26,292,350, C>T. VCF-style: chr18-26292350-C-T. GRCh37 (hg19) VCF-style: chr18-23872314-C-T.
Other names: c.1710C>T, p.Asn570= (NM_001293725.2).
Identifiers: ClinVar variation 2648626 (VCV002648626.24), dbSNP rs2510817065, ClinGen allele CA503380603.